The following is an entry in ClinVar:

ClinVar aggregate classification (germline): Uncertain significance (1 of 4 stars; one submission).

Allele frequency attached by ClinVar (database versions not stated): gnomAD exomes below 0.00001.

Submission:

GeneDx
Classification: Uncertain significance. Last evaluated: 2023-05-14. Review status: criteria provided, single submitter. Criteria: GeneDx Variant Classification Process June 2021. Collection method: clinical testing. Allele origin: germline. Affected: yes.
Comment: Not observed at significant frequency in large population cohorts (gnomAD); In silico analysis supports that this missense variant does not alter protein structure/function; Has not been previously published as pathogenic or benign to our knowledge

NM_018489.3(ASH1L):c.773G>A (p.Gly258Asp)

Gene: ASH1L (ASH1 like histone lysine methyltransferase; minus strand). Cytogenetic location: 1q22.
Variant type: single nucleotide variant.
Coding change: c.773G>A on transcript NM_018489.3 (MANE Select); coding-DNA position 773, G replaced by A.
Protein change: p.Gly258Asp; replaces glycine 258 with aspartic acid.
Molecular consequence: missense variant.
Genome position (GRCh38, 1-based): chr1:155,482,097, C>T on the plus strand (G>A on the coding strand, the complement: ASH1L is on the minus strand). VCF-style: chr1-155482097-C-T. GRCh37 (hg19) VCF-style: chr1-155451888-C-T.
Other names: c.773G>A, p.Gly258Asp (NM_001366177.2); short protein forms G258D.
Identifiers: ClinVar variation 1696914 (VCV001696914.3), dbSNP rs1665998053, ClinGen allele CA342741016.